The following is an entry in ClinVar:

ClinVar aggregate classification (germline): Pathogenic (1 of 4 stars; one submission).

Conditions:
Osteogenesis imperfecta type I (OI1). Also called: Lobstein disease; OI, TYPE I; OSTEOGENESIS IMPERFECTA TARDA; OSTEOGENESIS IMPERFECTA WITH BLUE SCLERAE; Osteogenesis imperfecta type 1; Classic Non-deforming Osteogenesis Imperfecta with Blue Sclerae. Identifiers: Orphanet 216796, Orphanet 666, MedGen C0023931, MONDO:0008146, OMIM 166200. Disease mechanism: loss of function.

Submission:

Labcorp Genetics (formerly Invitae), Labcorp
Classification: Pathogenic for Osteogenesis imperfecta type I. Last evaluated: 2022-02-23. Review status: criteria provided, single submitter. Criteria: Invitae Variant Classification Sherloc (09022015). Collection method: clinical testing. Allele origin: germline.
Comment: For these reasons, this variant has been classified as Pathogenic. Algorithms developed to predict the effect of sequence changes on RNA splicing suggest that this variant may disrupt the consensus splice site. This variant is also known as c.903+1del. This variant has not been reported in the literature in individuals affected with COL1A1-related conditions. This variant is not present in population databases (gnomAD no frequency). This sequence change creates a premature translational stop signal (p.Gly302Alafs*239) in the COL1A1 gene. It is expected to result in an absent or disrupted protein product. Loss-of-function variants in COL1A1 are known to be pathogenic (PMID: 7942841, 9295084, 9443882).

Literature cited by the submitters: PubMed 7942841; PubMed 9295084; PubMed 9443882.

NM_000088.4(COL1A1):c.903+1del

Genes: COL1A1 (collagen type I alpha 1 chain; minus strand), LOC126862586 (CDK7 strongly-dependent group 2 enhancer GRCh37_chr17:48273702-48274901; plus strand). Cytogenetic location: 17q21.33.
Variant type: Deletion.
Coding change: c.903+1del on transcript NM_000088.4 (MANE Select); the canonical splice donor site of the intron after coding-DNA position 903, one base deleted (G; older notation c.903+1delG).
Molecular consequence: splice donor variant.
Genome position (GRCh38, 1-based): chr17:50,196,483, C deleted on the plus strand (G on the coding strand, the reverse complement: COL1A1 is on the minus strand); the first of 2 consecutive C bases (chr17:50,196,483-50,196,484); deleting either gives the same sequence. VCF-style (leftmost placement, unchanged base first): chr17-50196482-AC-A. GRCh37 (hg19) VCF-style: chr17-48273843-AC-A.
Identifiers: ClinVar variation 2102724 (VCV002102724.4), dbSNP rs2509236473, ClinGen allele CA2580094325.